The following is an entry in ClinVar:

ClinVar aggregate classification (germline): Uncertain significance (1 of 4 stars; one submission).

Submission:

Labcorp Genetics (formerly Invitae), Labcorp
Classification: Uncertain significance. Last evaluated: 2022-08-09. Review status: criteria provided, single submitter. Criteria: Invitae Variant Classification Sherloc (09022015). Collection method: clinical testing. Allele origin: germline.
Comment: In summary, the available evidence is currently insufficient to determine the role of this variant in disease. Therefore, it has been classified as a Variant of Uncertain Significance. Algorithms developed to predict the effect of missense changes on protein structure and function are either unavailable or do not agree on the potential impact of this missense change (SIFT: "Deleterious"; PolyPhen-2: "Benign"; Align-GVGD: "Class C0"). This variant has not been reported in the literature in individuals affected with MCM5-related conditions. This variant is not present in population databases (gnomAD no frequency). This sequence change replaces lysine, which is basic and polar, with glutamic acid, which is acidic and polar, at codon 396 of the MCM5 protein (p.Lys396Glu).

NM_006739.4(MCM5):c.1186A>G (p.Lys396Glu)

Gene: MCM5 (minichromosome maintenance complex component 5; plus strand). Cytogenetic location: 22q12.3.
Variant type: single nucleotide variant.
Coding change: c.1186A>G on transcript NM_006739.4 (MANE Select); coding-DNA position 1186, A replaced by G.
Protein change: p.Lys396Glu; replaces lysine 396 with glutamic acid.
Molecular consequence: missense variant.
Genome position (GRCh38, 1-based): chr22:35,413,969, A>G. VCF-style: chr22-35413969-A-G. GRCh37 (hg19) VCF-style: chr22-35809962-A-G.
Other names: short protein forms K396E.
Identifiers: ClinVar variation 2093870 (VCV002093870.4), dbSNP rs2517896289, ClinGen allele CA411345549.